The following is an entry in ClinVar:

ClinVar aggregate classification (germline): Pathogenic (1 of 4 stars; one submission).

Submission:

Labcorp Genetics (formerly Invitae), Labcorp
Classification: Pathogenic. Last evaluated: 2022-01-11. Review status: criteria provided, single submitter. Criteria: Invitae Variant Classification Sherloc (09022015). Collection method: clinical testing. Allele origin: germline.
Comment: This variant is a gross deletion of the genomic region encompassing exon(s) 1-4 of the GALM gene, which includes the initiator codon. This deletion extends beyond the assayed region for this gene and therefore may encompass additional genes. It is expected to result in an absent or disrupted protein product. Loss-of-function variants in GALM are known to be pathogenic (PMID: 30451973). This variant has not been reported in the literature in individuals affected with GALM-related conditions. For these reasons, this variant has been classified as Pathogenic.

Literature cited by the submitters: PubMed 30451973.

NC_000002.11:g.(?_38893304)_(38917056_?)del

Gene: GALM (galactose mutarotase; plus strand). Cytogenetic location: 2p22.1.
Variant type: Deletion.
Identifiers: ClinVar variation 2427271 (VCV002427271.3).